The following is an entry in ClinVar:

ClinVar aggregate classification (germline): Likely pathogenic. Review status: criteria provided, multiple submitters, no conflicts (2 of 4 stars). 2 submissions from 2 submitters: Likely pathogenic (2). Last evaluated 2026-04-01.

Conditions:
Autosomal recessive nonsyndromic hearing loss 84A. Also called: DEAFNESS, AUTOSOMAL RECESSIVE 84A; DEAFNESS, AUTOSOMAL RECESSIVE 84A, WITH VESTIBULAR DYSFUNCTION. Identifiers: Orphanet 90636, MedGen C3150654, MONDO:0013249, OMIM 613391.

Submissions (2):

GeneDx
Classification: Likely pathogenic. Last evaluated: 2026-04-01. Review status: criteria provided, single submitter. Criteria: GeneDx Variant Classification Process June 2021. Collection method: clinical testing. Allele origin: germline.
Comment: Frameshift variant predicted to result in protein truncation or nonsense mediated decay in a gene for which loss of function is a known mechanism of disease; Reported previously in an unaffected carrier; however, no further information was provided (PMID: 29754767); Not observed at significant frequency in large population cohorts (gnomAD); This variant is associated with the following publications: (PMID: 29754767)

Variantyx, Inc.
Classification: Likely pathogenic for Autosomal recessive nonsyndromic hearing loss 84A. Last evaluated: 2025-06-25. Review status: criteria provided, single submitter. Criteria: Variantyx Assertion Criteria 2022. Collection method: clinical testing. Allele origin: germline. Inheritance: Autosomal recessive inheritance. Affected: no.
Comment: This is a frameshift variant in the PTPRQ gene (OMIM: 603317). Pathogenic variants in this gene have been associated with autosomal recessive nonsyndromic hearing loss 84A. Th alteration introduces a premature termination codon in exon 13 out of 45 and is expected to result in loss of function, which is a known disease mechanism for PTPRQ in this disorder (PMID: 29309402, 39434500) (PVS1). This variant has a 0.0013% maximum allele frequency in non-founder control populations (PM2). Based on the current evidence, this variant is classified as likely pathogenic for autosomal recessive nonsyndromic hearing loss 84A.

Literature cited by the submitters: PubMed 29309402 (cited by Variantyx, Inc.); PubMed 39434500 (cited by Variantyx, Inc.).

NM_001145026.2(PTPRQ):c.1737del (p.Asn579fs)

Gene: PTPRQ (protein tyrosine phosphatase receptor type Q; plus strand). Cytogenetic location: 12q21.31.
Variant type: Deletion.
Coding change: c.1737del on transcript NM_001145026.2 (MANE Select); coding-DNA position 1737, one base deleted (T; older notation c.1737delT).
Protein change: p.Asn579fs; shifts the reading frame from asparagine 579.
Molecular consequence: frameshift variant.
Genome position (GRCh38, 1-based): chr12:80,495,226, T deleted. VCF-style (leftmost placement, unchanged base first): chr12-80495225-AT-A. GRCh37 (hg19) VCF-style: chr12-80889004-AT-A.
Other names: short protein forms N579fs.
Identifiers: ClinVar variation 4083409 (VCV004083409.2).
Genomic context (GRCh38, chr12:80,495,225, plus strand): 5'-ATTCATATGTTCATTCTTCTTTTTAAGTGCCAAGCTCCATTAAAATTATAAACTATAAAA[AT>A]ATTAGTTCTTCATCTATTTTGTTATATTGGGATCCTCCAGAATATCCCAATGGAAAAATA-3'